The following is an entry in ClinVar:

NM_001164508.2(NEB):c.5120C>A (p.Ala1707Glu)

Gene: NEB (nebulin; minus strand). Cytogenetic location: 2q23.3.
Variant type: single nucleotide variant.
Coding change: c.5120C>A on transcript NM_001164508.2 (MANE Select); coding-DNA position 5120, C replaced by A.
Protein change: p.Ala1707Glu; replaces alanine 1707 with glutamic acid.
Molecular consequence: missense variant.
Genome position (GRCh38, 1-based): chr2:151,665,451, G>T on the plus strand (C>A on the coding strand, the complement: NEB is on the minus strand). VCF-style: chr2-151665451-G-T. GRCh37 (hg19) VCF-style: chr2-152521965-G-T.
Other names: c.5120C>A, p.Ala1707Glu (NM_001164507.2, NM_001271208.2, NM_004543.5); short protein forms A1707E.
Identifiers: ClinVar variation 657781 (VCV000657781.8), dbSNP rs1575576650, ClinGen allele CA348812279.

ClinVar aggregate classification (germline): Uncertain significance (1 of 4 stars; one submission).

Conditions:
Nemaline myopathy 2 (NEM2). Also called: Nemaline myopathy 2, autosomal recessive. Identifiers: MedGen C1850569, MONDO:0009725, OMIM 256030.

Submission:

Labcorp Genetics (formerly Invitae), Labcorp
Classification: Uncertain significance for Nemaline myopathy 2. Last evaluated: 2022-02-03. Review status: criteria provided, single submitter. Criteria: Invitae Variant Classification Sherloc (09022015). Collection method: clinical testing. Allele origin: germline.
Comment: In summary, the available evidence is currently insufficient to determine the role of this variant in disease. Therefore, it has been classified as a Variant of Uncertain Significance. Algorithms developed to predict the effect of missense changes on protein structure and function are either unavailable or do not agree on the potential impact of this missense change (SIFT: "Deleterious"; PolyPhen-2: "Not Available"; Align-GVGD: "Class C0"). ClinVar contains an entry for this variant (Variation ID: 657781). This variant has not been reported in the literature in individuals affected with NEB-related conditions. This variant is not present in population databases (gnomAD no frequency). This sequence change replaces alanine, which is neutral and non-polar, with glutamic acid, which is acidic and polar, at codon 1707 of the NEB protein (p.Ala1707Glu).